The following is an entry in ClinVar:

NM_012431.3(SEMA3E):c.2097G>A (p.Gln699=)

Gene: SEMA3E (semaphorin 3E; minus strand). Cytogenetic location: 7q21.11.
Variant type: single nucleotide variant.
Coding change: c.2097G>A on transcript NM_012431.3 (MANE Select); coding-DNA position 2097, G replaced by A.
Protein change: p.Gln699=; no amino-acid change (glutamine 699 retained).
Molecular consequence: synonymous variant.
Genome position (GRCh38, 1-based): chr7:83,367,817, C>T on the plus strand (G>A on the coding strand, the complement: SEMA3E is on the minus strand). VCF-style: chr7-83367817-C-T. GRCh37 (hg19) VCF-style: chr7-82997133-C-T.
Other names: c.1917G>A, p.Gln639= (NM_001178129.2).
Identifiers: ClinVar variation 753476 (VCV000753476.4), dbSNP rs1584195067, ClinGen allele CA456344384.
Genomic context (GRCh38, chr7:83,367,817, plus strand): 5'-ATAACCGATCAGCTGCAAGAATTCCTTGTACCATGGTTTTGCTCCCTGCGAGATGCTACT[C>T]TGAGCAGGACAAGGCATCCTGTGATGCCTGTCCTCCTCATCGTCCTTGTTAAACATATCC-3'
Protein context (NP_036563.1, residues 689-709): DRHHRMPCPA[Gln699=]SSISQGAKPW

ClinVar aggregate classification (germline): Likely benign. Review status: criteria provided, multiple submitters, no conflicts (2 of 4 stars). 2 submissions from 2 submitters: Likely benign (2). Last evaluated 2026-07-21.

Conditions:
SEMA3E-related disorder. Also called: SEMA3E-related condition.

Allele frequency attached by ClinVar (database versions not stated): gnomAD below 0.00001 and 0.00001.
gnomAD v4.1: 7 of 1,614,000 alleles (0.00043%); highest among the groups gnomAD compares: South Asian, 0.0055%; no homozygotes.

Submissions (2):

PreventionGenetics, part of Exact Sciences
Classification: Likely benign for SEMA3E-related condition. Last evaluated: 2026-07-21. Review status: criteria provided, single submitter. Criteria: ACMG Guidelines, 2015. Collection method: clinical testing. Allele origin: germline.
Comment: This variant is classified as likely benign based on ACMG/AMP sequence variant interpretation guidelines (Richards et al. 2015 PMID: 25741868, with internal and published modifications).

Labcorp Genetics (formerly Invitae), Labcorp
Classification: Likely benign. Last evaluated: 2018-06-15. Review status: criteria provided, single submitter. Criteria: Invitae Variant Classification Sherloc (09022015). Collection method: clinical testing. Allele origin: germline.